The following is an entry in ClinVar:

ClinVar aggregate classification (germline): Conflicting classifications of pathogenicity. Review status: no assertion criteria provided (0 of 4 stars). 2 submissions from 2 submitters: Pathogenic (1); Uncertain significance (1). Last evaluated 2006-12-01.
ClinVar aggregate classification (somatic clinical impact): Tier I - Strong. Review status: criteria provided, single submitter (1 of 4 stars). 2 submissions from 1 submitter. Last evaluated 2025-05-09.
ClinVar aggregate classification (oncogenicity): Oncogenic (0 of 4 stars; one submission).

Conditions:
Gastrointestinal stromal tumor. Also called: Gastrointestinal stromal tumor, somatic; Gastrointestinal stroma tumor. Identifiers: Orphanet 44890, MedGen C0238198, MeSH D046152, MONDO:0011719, OMIM 606764, HP:0100723.
Primary intracranial sarcoma, DICER1-mutant. Identifiers: MedGen C5670660, MONDO:0858967.
Diffuse midline glioma, H3 K27M-mutant. Identifiers: MedGen C4289688, MONDO:0957196.

Submissions (5):

Institute for Genomic Medicine (IGM) Clinical Laboratory, Nationwide Children's Hospital
Classification: Tier I - Strong for Diffuse midline glioma, H3 K27M-mutant. Assertion type: diagnostic. Clinical significance: supports diagnosis. Last evaluated: 2025-05-09. Review status: criteria provided, single submitter. Criteria: AMP/ASCO/CAP Guidelines, 2017. Collection method: clinical testing. Allele origin: somatic. Affected: yes.
Comment: Variant has Tier I (strong) clinical significance as a diagnostic inclusion criterion in diffuse midline glioma, H3 K27M-mutant, based on the following evidence: 1) Documented in one or more cancer databases (e.g., St. Jude Pecan, COSMIC, CIViC, OncoKB). 2) Appears in one or more well-established professional guidelines (e.g., World Health Organization [WHO]; National Comprehensive Cancer Network [NCCN]) as providing diagnostic, prognostic, or therapeutic information. 3) Information in the literature supports potential biologic effect of variant (PMIDs: 12949711, 12522257). 4) Diagnostic for a specific tumor type/classification based on well-powered studies with expert-level consensus (Evidence Level B; PMIDs: 24705251, 25230881, 27582545, 28966033, 29763623, 40086436).

Institute for Genomic Medicine (IGM) Clinical Laboratory, Nationwide Children's Hospital
Classification: Tier I - Strong for Primary intracranial sarcoma, DICER1-mutant. Assertion type: diagnostic. Clinical significance: supports diagnosis. Last evaluated: 2024-04-04. Review status: criteria provided, single submitter. Criteria: AMP/ASCO/CAP Guidelines, 2017. Collection method: clinical testing. Allele origin: somatic. Affected: yes.
Comment: Variant has Tier I (strong) clinical significance as a diagnostic inclusion criterion in primary intracranial sarcoma, DICER1-mutant, based on the following evidence: 1) Documented in one or more cancer databases (e.g., St. Jude Pecan, COSMIC, CIViC, OncoKB). 2) Appears in one or more well-established professional guidelines (e.g., World Health Organization [WHO]; National Comprehensive Cancer Network [NCCN]) as providing diagnostic, prognostic, or therapeutic information. 3) Information in the literature supports potential biologic effect of variant (PMID: 12949711). 4) Diagnostic for a specific tumor type/classification based on well-powered studies with expert-level consensus (Evidence Level B; PMIDs: 30649606, 32291395).

OMIM
Classification: Pathogenic for GASTROINTESTINAL STROMAL TUMOR, SOMATIC. Last evaluated: 2006-12-01. Review status: no assertion criteria provided. Collection method: literature only. Allele origin: somatic.

Department of Pathology and Laboratory Medicine, Sinai Health System
Classification: Uncertain significance. Review status: no assertion criteria provided. Collection method: clinical testing. Allele origin: unknown. Affected: yes. Observed: 4 variant alleles. Study: The Canadian Open Genetics Repository (COGR).

National Institute of Cancer Research, National Health Research Institutes
Classification: Oncogenic for Gastrointestinal stromal tumor. Review status: no assertion criteria provided. Collection method: research. Allele origin: somatic. Affected: yes. Observed: 2 variant alleles.
Comment: the literature

Literature cited by the submitters: PubMed 12949711 (cited by Institute for Genomic Medicine (IGM) Clinical Laboratory, Nationwide Children's Hospital); PubMed 12522257 (cited by Institute for Genomic Medicine (IGM) Clinical Laboratory, Nationwide Children's Hospital and OMIM); PubMed 24705251 (cited by Institute for Genomic Medicine (IGM) Clinical Laboratory, Nationwide Children's Hospital); PubMed 25230881 (cited by Institute for Genomic Medicine (IGM) Clinical Laboratory, Nationwide Children's Hospital); PubMed 27582545 (cited by Institute for Genomic Medicine (IGM) Clinical Laboratory, Nationwide Children's Hospital); PubMed 28966033 (cited by Institute for Genomic Medicine (IGM) Clinical Laboratory, Nationwide Children's Hospital); PubMed 29763623 (cited by Institute for Genomic Medicine (IGM) Clinical Laboratory, Nationwide Children's Hospital); PubMed 40086436 (cited by Institute for Genomic Medicine (IGM) Clinical Laboratory, Nationwide Children's Hospital); PubMed 30649606 (cited by Institute for Genomic Medicine (IGM) Clinical Laboratory, Nationwide Children's Hospital); PubMed 32291395 (cited by Institute for Genomic Medicine (IGM) Clinical Laboratory, Nationwide Children's Hospital); PubMed 17087943 (cited by OMIM).

NM_006206.6(PDGFRA):c.2525A>T (p.Asp842Val)

Gene: PDGFRA (platelet derived growth factor receptor alpha; plus strand). Cytogenetic location: 4q12.
Variant type: single nucleotide variant.
Coding change: c.2525A>T on transcript NM_006206.6 (MANE Select); coding-DNA position 2525, A replaced by T.
Protein change: p.Asp842Val; replaces aspartic acid 842 with valine.
Molecular consequence: missense variant.
Genome position (GRCh38, 1-based): chr4:54,285,926, A>T. VCF-style: chr4-54285926-A-T. GRCh37 (hg19) VCF-style: chr4-55152093-A-T.
Other names: c.2600A>T, p.Asp867Val (NM_001347828.2); c.2525A>T, p.Asp842Val (NM_001347829.2); c.2564A>T, p.Asp855Val (NM_001347830.2); short protein forms D842V, D867V, D855V.
Identifiers: ClinVar variation 13543 (VCV000013543.5), dbSNP rs121908585, ClinGen allele CA123194.